The following is an entry in ClinVar:

ClinVar aggregate classification (germline): Uncertain significance (1 of 4 stars; one submission).

Conditions:
Hereditary cancer-predisposing syndrome. Also called: Neoplastic Syndromes, Hereditary; Tumor predisposition; Hereditary Cancer Syndrome; Hereditary neoplastic syndrome. Identifiers: Orphanet 140162, MedGen C0027672, MeSH D009386, MONDO:0015356.

Submission:

Ambry Genetics
Classification: Uncertain significance for Hereditary cancer-predisposing syndrome. Last evaluated: 2021-12-03. Review status: criteria provided, single submitter. Criteria: Ambry Variant Classification Scheme 2023. Collection method: clinical testing. Allele origin: germline.
Comment: The p.Q2456H variant (also known as c.7368G>T), located in coding exon 13 of the BRCA2 gene, results from a G to T substitution at nucleotide position 7368. The glutamine at codon 2456 is replaced by histidine, an amino acid with highly similar properties. This amino acid position is conserved. In addition, this alteration is predicted to be tolerated by in silico analysis. Since supporting evidence is limited at this time, the clinical significance of this alteration remains unclear.

NM_000059.4(BRCA2):c.7368G>T (p.Gln2456His)

Gene: BRCA2 (BRCA2 DNA repair associated; plus strand). Cytogenetic location: 13q13.1.
Variant type: single nucleotide variant.
Coding change: c.7368G>T on transcript NM_000059.4 (MANE Select); coding-DNA position 7368, G replaced by T.
Protein change: p.Gln2456His; replaces glutamine 2456 with histidine.
Molecular consequence: missense variant.
Genome position (GRCh38, 1-based): chr13:32,355,221, G>T. VCF-style: chr13-32355221-G-T. GRCh37 (hg19) VCF-style: chr13-32929358-G-T.
Other names: c.7272G>T, p.Gln2424His (NM_001406719.1); c.7368G>T, p.Gln2456His (NM_001406720.1); c.2436G>T, p.Gln812His (NM_001406721.1); c.951G>T, p.Gln317His (NM_001406722.1); short protein forms Q812H, Q2424H, Q317H, Q2456H.
Identifiers: ClinVar variation 1758539 (VCV001758539.2), dbSNP rs2137558448, ClinGen allele CA387741552.